The following is an entry in ClinVar:

NM_001321967.2(ATAD1):c.1040del (p.Lys347fs)

Gene: ATAD1 (ATPase family AAA domain containing 1; minus strand). Cytogenetic location: 10q23.31.
Variant type: Deletion.
Coding change: c.1040del on transcript NM_001321967.2 (MANE Select); coding-DNA position 1040, one base deleted (A; older notation c.1040delA).
Protein change: p.Lys347fs; shifts the reading frame from lysine 347.
Molecular consequence: frameshift variant. On other transcripts: non-coding transcript variant (1).
Genome position (GRCh38, 1-based): chr10:87,754,733, T deleted on the plus strand (A on the coding strand, the reverse complement: ATAD1 is on the minus strand); the first of 3 consecutive T bases (chr10:87,754,733-87,754,735); deleting any one gives the same sequence. VCF-style (leftmost placement, unchanged base first): chr10-87754732-CT-C. GRCh37 (hg19) VCF-style: chr10-89514489-CT-C.
Other names: c.950del, p.Lys317fs (NM_001321968.2); c.683del, p.Lys228fs (NM_001321969.2); c.1040del, p.Lys347fs (NM_032810.4); short protein forms K317fs, K347fs, K228fs.
Identifiers: ClinVar variation 2017887 (VCV002017887.4), dbSNP rs2492909506, ClinGen allele CA2580082129.
Genomic context (GRCh38, chr10:87,754,732, plus strand): 5'-AAATGATCTTTACTCTTAATCTAAACAAACATGTGTTAAAACATTCTGAAATGCTGCATC[CT>C]TTGATTTCTTCATCTTTTCAATTGCCCGATGCAGGTCCTGCTGTTGAACAGGCCGAATTT-3'

ClinVar aggregate classification (germline): Uncertain significance (1 of 4 stars; one submission).

Submission:

Labcorp Genetics (formerly Invitae), Labcorp
Classification: Uncertain significance. Last evaluated: 2022-07-17. Review status: criteria provided, single submitter. Criteria: Invitae Variant Classification Sherloc (09022015). Collection method: clinical testing. Allele origin: germline.
Comment: This sequence change creates a premature translational stop signal (p.Lys347Argfs*9) in the ATAD1 gene. While this is not anticipated to result in nonsense mediated decay, it is expected to disrupt the last 15 amino acid(s) of the ATAD1 protein. In summary, the available evidence is currently insufficient to determine the role of this variant in disease. Therefore, it has been classified as a Variant of Uncertain Significance. Experimental studies and prediction algorithms are not available or were not evaluated, and the functional significance of this variant is currently unknown. This variant has not been reported in the literature in individuals affected with ATAD1-related conditions. This variant is not present in population databases (gnomAD no frequency).